The following is an entry in ClinVar:

ClinVar aggregate classification (germline): Uncertain significance (1 of 4 stars; one submission).

Submission:

Labcorp Genetics (formerly Invitae), Labcorp
Classification: Uncertain significance. Last evaluated: 2025-08-24. Review status: criteria provided, single submitter. Criteria: Invitae Variant Classification Sherloc (09022015). Collection method: clinical testing. Allele origin: germline.
Comment: This sequence change falls in intron 20 of the RASA2 gene. It does not directly change the encoded amino acid sequence of the RASA2 protein. This variant is not present in population databases (gnomAD no frequency). This variant has not been reported in the literature in individuals affected with RASA2-related conditions. Algorithms developed to predict the effect of sequence changes on RNA splicing suggest that this variant may create or strengthen a splice site. In summary, the available evidence is currently insufficient to determine the role of this variant in disease. Therefore, it has been classified as a Variant of Uncertain Significance.

NM_006506.5(RASA2):c.2016+14A>G

Gene: RASA2 (RAS p21 protein activator 2; plus strand). Cytogenetic location: 3q23.
Variant type: single nucleotide variant.
Coding change: c.2016+14A>G on transcript NM_006506.5 (MANE Select); 14 bases into the intron after coding-DNA position 2016, A replaced by G.
Molecular consequence: intron variant.
Genome position (GRCh38, 1-based): chr3:141,607,774, A>G. VCF-style: chr3-141607774-A-G. GRCh37 (hg19) VCF-style: chr3-141326616-A-G.
Other names: c.2019+14A>G (NM_001303245.3); c.2028+14A>G (NM_001303246.3).
Identifiers: ClinVar variation 4725954 (VCV004725954.1).